The following is an entry in ClinVar:

ClinVar aggregate classification (germline): Pathogenic (1 of 4 stars; one submission).

Conditions:
2-aminoadipic 2-oxoadipic aciduria (AAKAD). Also called: Aminoadipic aciduria; ALPHA-AMINOADIPIC AND ALPHA-KETOADIPIC ACIDURIA. Identifiers: Orphanet 79154, MedGen C1859817, MONDO:0008774, OMIM 204750.

Submission:

Labcorp Genetics (formerly Invitae), Labcorp
Classification: Pathogenic for 2-aminoadipic 2-oxoadipic aciduria. Last evaluated: 2023-02-03. Review status: criteria provided, single submitter. Criteria: Invitae Variant Classification Sherloc (09022015). Collection method: clinical testing. Allele origin: unknown.
Comment: This variant is a gross deletion of the genomic region encompassing exon(s) 14 of the DHTKD1 gene. This deletion is out-of-frame, and is expected to create a premature termination codon and result in an absent or disrupted protein product. Loss-of-function variants in DHTKD1 are known to be pathogenic (PMID: 23141293, 25860818). This variant has not been reported in the literature in individuals affected with DHTKD1-related conditions. For these reasons, this variant has been classified as Pathogenic.

Literature cited by the submitters: PubMed 23141293; PubMed 25860818.

NC_000010.10:g.(?_12159652)_(12159774_?)del

Gene: DHTKD1 (dehydrogenase E1 and transketolase domain containing 1; plus strand). Cytogenetic location: 10p14.
Variant type: Deletion.
Identifiers: ClinVar variation 3244851 (VCV003244851.1).